The following is an entry in ClinVar:

ClinVar aggregate classification (germline): Uncertain significance. Review status: criteria provided, multiple submitters, no conflicts (2 of 4 stars). 4 submissions from 4 submitters: Uncertain significance (4). Last evaluated 2025-05-21.

Conditions:
Hereditary diffuse gastric adenocarcinoma (HDGC). Also called: DIFFUSE GASTRIC AND LOBULAR BREAST CANCER SYNDROME. Identifiers: Orphanet 26106, MedGen C1708349, MONDO:0007648, OMIM 137215.
Hereditary cancer-predisposing syndrome. Also called: Hereditary Cancer Syndrome; Neoplastic Syndromes, Hereditary; Tumor predisposition; Hereditary neoplastic syndrome. Identifiers: Orphanet 140162, MedGen C0027672, MeSH D009386, MONDO:0015356.

Allele frequency attached by ClinVar (database versions not stated): gnomAD exomes below 0.00001.
gnomAD v4.1: 2 of 1,614,032 alleles (0.00012%); highest among the groups gnomAD compares: Non-Finnish European, 0.00017%; no homozygotes.

Submissions (4):

Labcorp Genetics (formerly Invitae), Labcorp
Classification: Uncertain significance for Hereditary diffuse gastric adenocarcinoma. Last evaluated: 2025-05-21. Review status: criteria provided, single submitter. Criteria: Invitae Variant Classification Sherloc (09022015). Collection method: clinical testing. Allele origin: germline.
Comment: This sequence change falls in intron 8 of the CDH1 gene. It does not directly change the encoded amino acid sequence of the CDH1 protein. It affects a nucleotide within the consensus splice site. This variant is not present in population databases (gnomAD no frequency). This variant has not been reported in the literature in individuals affected with CDH1-related conditions. ClinVar contains an entry for this variant (Variation ID: 630697). Variants that disrupt the consensus splice site are a relatively common cause of aberrant splicing (PMID: 17576681, 9536098). Studies have shown that this variant is associated with inconclusive levels of altered splicing (internal data). In summary, the available evidence is currently insufficient to determine the role of this variant in disease. Therefore, it has been classified as a Variant of Uncertain Significance.

GeneDx
Classification: Uncertain significance. Last evaluated: 2024-12-02. Review status: criteria provided, single submitter. Criteria: GeneDx Variant Classification Process June 2021. Collection method: clinical testing. Allele origin: germline. Affected: yes.
Comment: Not observed at significant frequency in large population cohorts (gnomAD); In silico analysis indicates that this variant does not alter splicing; Has not been previously published as pathogenic or benign to our knowledge

Ambry Genetics
Classification: Uncertain significance for Hereditary cancer-predisposing syndrome. Last evaluated: 2024-04-15. Review status: criteria provided, single submitter. Criteria: Ambry Variant Classification Scheme 2023. Collection method: clinical testing. Allele origin: germline.
Comment: The c.1137+4A>C intronic variant results from an A to C substitution 4 nucleotides after coding exon 8 in the CDH1 gene. This nucleotide position is highly conserved in available vertebrate species. In silico splice site analysis predicts that this alteration will not have any significant effect on splicing; however, direct evidence is insufficient at this time (Ambry internal data). Since supporting evidence is limited at this time, the clinical significance of this alteration remains unclear.

Color Diagnostics, LLC DBA Color Health
Classification: Uncertain significance for Hereditary cancer-predisposing syndrome. Last evaluated: 2018-10-16. Review status: criteria provided, single submitter. Criteria: ACMG Guidelines, 2015. Collection method: clinical testing. Allele origin: germline.

Literature cited by the submitters: PubMed 17576681 (cited by Labcorp Genetics (formerly Invitae), Labcorp); PubMed 9536098 (cited by Labcorp Genetics (formerly Invitae), Labcorp).

NM_004360.5(CDH1):c.1137+4A>C

Gene: CDH1 (cadherin 1; plus strand). Cytogenetic location: 16q22.1.
Variant type: single nucleotide variant.
Coding change: c.1137+4A>C on transcript NM_004360.5 (MANE Select); 4 bases into the intron after coding-DNA position 1137, A replaced by C.
Molecular consequence: intron variant.
Genome position (GRCh38, 1-based): chr16:68,812,267, A>C. VCF-style: chr16-68812267-A-C. GRCh37 (hg19) VCF-style: chr16-68846170-A-C.
Other names: c.1137+4A>C (LRG_301t1, NM_001317184.2); c.-479+4A>C (NM_001317185.2); c.-683+4A>C (NM_001317186.2).
Identifiers: ClinVar variation 630697 (VCV000630697.15), dbSNP rs967063432, ClinGen allele CA283300902.